The following is an entry in ClinVar:

ClinVar aggregate classification (germline): Uncertain significance (1 of 4 stars; one submission).

Conditions:
RASopathy. Also called: Noonan spectrum disorder; rasopathies. Identifiers: Orphanet 536391, MedGen C5555857, MONDO:0021060.

Submission:

Labcorp Genetics (formerly Invitae), Labcorp
Classification: Uncertain significance for RASopathy. Last evaluated: 2019-05-27. Review status: criteria provided, single submitter. Criteria: Invitae Variant Classification Sherloc (09022015). Collection method: clinical testing. Allele origin: germline.
Comment: This sequence change replaces valine with glycine at codon 266 of the RAF1 protein (p.Val266Gly). The valine residue is highly conserved and there is a moderate physicochemical difference between valine and glycine. In summary, the available evidence is currently insufficient to determine the role of this variant in disease. Therefore, it has been classified as a Variant of Uncertain Significance. Algorithms developed to predict the effect of missense changes on protein structure and function are either unavailable or do not agree on the potential impact of this missense change (SIFT: "Deleterious"; PolyPhen-2: "Benign"; Align-GVGD: "Class C0"). This variant has not been reported in the literature in individuals with RAF1-related conditions. This variant is not present in population databases (ExAC no frequency).

NM_002880.4(RAF1):c.797T>G (p.Val266Gly)

Gene: RAF1 (Raf-1 proto-oncogene, serine/threonine kinase; minus strand). Cytogenetic location: 3p25.2.
Variant type: single nucleotide variant.
Coding change: c.797T>G on transcript NM_002880.4 (MANE Select); coding-DNA position 797, T replaced by G.
Protein change: p.Val266Gly; replaces valine 266 with glycine.
Molecular consequence: missense variant. On other transcripts: non-coding transcript variant (3).
Genome position (GRCh38, 1-based): chr3:12,604,173, A>C on the plus strand (T>G on the coding strand, the complement: RAF1 is on the minus strand). VCF-style: chr3-12604173-A-C. GRCh37 (hg19) VCF-style: chr3-12645672-A-C.
Other names: c.797T>G, p.Val266Gly (NM_001354689.3, NM_001354690.3); c.554T>G, p.Val185Gly (NM_001354691.3, NM_001354692.3, NM_001354694.3); c.698T>G, p.Val233Gly (NM_001354693.3); c.455T>G, p.Val152Gly (NM_001354695.3); short protein forms V266G, V152G, V185G, V233G.
Identifiers: ClinVar variation 941238 (VCV000941238.9), dbSNP rs2058951671, ClinGen allele CA351512248.
Genomic context (GRCh38, chr3:12,604,173, plus strand): 5'-CCACCCCCAAGGTGCCCTATTACCTCAATCATCCTGCTGTCCACAGGCAGGGTGGTGCTG[A>C]CCATGTGGACATTAGGTGTGGATGTCGACCTCTGCCTCTGGGAGAGGGAACCTTCAGATG-3'
Protein context (NP_002871.1, residues 256-276): RSTSTPNVHM[Val266Gly]STTLPVDSRM